The following is an entry in ClinVar:

NM_001330588.2(TPP2):c.1679-94C>T

Gene: TPP2 (tripeptidyl peptidase 2; plus strand). Cytogenetic location: 13q33.1.
Variant type: single nucleotide variant.
Coding change: c.1679-94C>T on transcript NM_001330588.2 (MANE Select); 94 bases into the intron before coding-DNA position 1679, C replaced by T.
Molecular consequence: intron variant.
Genome position (GRCh38, 1-based): chr13:102,636,988, C>T. VCF-style: chr13-102636988-C-T. GRCh37 (hg19) VCF-style: chr13-103289338-C-T.
Other names: c.1679-94C>T (NM_001367947.1, NM_003291.4).
Identifiers: ClinVar variation 2628191 (VCV002628191.2), dbSNP rs2274463, ClinGen allele CA13891065.

ClinVar aggregate classification (germline): Benign (1 of 4 stars; one submission).

Allele frequency attached by ClinVar (database versions not stated): 1000 Genomes Project 0.47344; 1000 Genomes Project 30x 0.47455; gnomAD exomes 0.47812; gnomAD 0.49687; TOPMed 0.49695.
gnomAD v4.1: 650,873 of 1,356,338 alleles (48%); highest among the groups gnomAD compares: African/African-American, 60%; 158,002 homozygotes.

Submission:

Unidad de Genómica Garrahan, Hospital de Pediatría Garrahan
Classification: Benign. Last evaluated: 2023-11-12. Review status: criteria provided, single submitter. Criteria: ACMG Guidelines, 2015. Collection method: clinical testing. Allele origin: germline. Affected: no. Observed: 44 variant alleles.
Comment: This variant is classified as Benign based on local population frequency. This variant was detected in 46% of patients studied by a panel of primary immunodeficiencies. Number of patients: 44. Only high quality variants are reported.